The following is an entry in ClinVar:

ClinVar aggregate classification (germline): Pathogenic. Review status: criteria provided, multiple submitters, no conflicts (2 of 4 stars). 17 submissions from 17 submitters: Pathogenic (15). 2 of the submissions do not count toward it. Last evaluated 2025-12-30.

Conditions:
Aganglionic megacolon (HSCR). Also called: Hirschsprung's disease; Hirschsprung disease. Identifiers: Orphanet 388, MedGen C0019569, MeSH D006627, MONDO:0018309, HP:0002251.
Multiple endocrine neoplasia, type 2 (MEN2). Identifiers: Orphanet 653, MedGen C4048306, MONDO:0019003. Disease mechanism: gain of function.
RET-related disorder. Also called: RET-related condition; RET-related disease; RET-related disorders.
Hereditary cancer-predisposing syndrome. Also called: Hereditary neoplastic syndrome; Tumor predisposition; Hereditary Cancer Syndrome; Neoplastic Syndromes, Hereditary. Identifiers: Orphanet 140162, MedGen C0027672, MeSH D009386, MONDO:0015356.
Multiple endocrine neoplasia type 2A. Also called: MULTIPLE ENDOCRINE NEOPLASIA, TYPE IIA; PTC SYNDROME; SIPPLE SYNDROME; MEN 2A; MEN-2A syndrome; Pheochromocytoma and amyloid producing medullary thyroid carcinoma. Identifiers: Orphanet 247698, Orphanet 653, MedGen C0025268, MeSH D018813, MONDO:0008234, OMIM 171400.
Hirschsprung disease, susceptibility to, 1 (HSCR1). Also called: RET-Related Hirschsprung Disease. Identifiers: Orphanet 388, MedGen C3888239, MONDO:0007723, OMIM 142623.

Allele frequency attached by ClinVar (database versions not stated): gnomAD exomes below 0.00001.
gnomAD v4.1: 2 of 1,613,372 alleles (0.00012%); highest among the groups gnomAD compares: Non-Finnish European, 0.00017%; no homozygotes.

Submissions 1 to 10 of 17:

Labcorp Genetics (formerly Invitae), Labcorp
Classification: Pathogenic for Multiple endocrine neoplasia, type 2. Last evaluated: 2025-12-30. Review status: criteria provided, single submitter. Criteria: Invitae Variant Classification Sherloc (09022015). Collection method: clinical testing. Allele origin: germline.
Comment: This sequence change replaces cysteine, which is neutral and slightly polar, with arginine, which is basic and polar, at codon 620 of the RET protein (p.Cys620Arg). This variant is not present in population databases (gnomAD no frequency). This missense change has been observed in individuals with Hirschsprung disease and/or multiple endocrine neoplasia type 2 / medullary thyroid carcinoma (PMID: 7874109, 7881414, 9090527, 9681852, 10790203, 19336503, 21765987, 21986619). This variant is also known as the "Janus mutation". ClinVar contains an entry for this variant (Variation ID: 13915). An algorithm developed to predict the effect of missense changes on protein structure and function (PolyPhen-2) suggests that this variant is likely to be disruptive. Experimental studies have shown that this missense change affects RET function (PMID: 9230192, 9879991, 14715928). This variant disrupts the p.Cys620 amino acid residue in RET. Other variant(s) that disrupt this residue have been determined to be pathogenic (PMID: 9230192, 9879991, 14715928). This suggests that this residue is clinically significant, and that variants that disrupt this residue are likely to be disease-causing. For these reasons, this variant has been classified as Pathogenic.

Dasa
Classification: Pathogenic. Last evaluated: 2025-10-09. Review status: criteria provided, single submitter. Criteria: DASA Assertion Criteria. Collection method: clinical testing. Allele origin: germline.
Comment: NM_020975.6(RET):c.1858T>C (p.Cys620Arg) is a missense variant that results in the substitution of cysteine with arginine. The affected residue or protein region has prior evidence supporting clinical relevance. Segregation evidence has been reported in affected families. Functional evidence supports a deleterious effect on the gene or gene product (PMID: 16705552; PMID: 7874109; PMID: 19443294; PMID: 20979234; PMID: 9230192). This variant has been recurrently observed in individuals with related phenotype (PMID: 16705552; PMID: 7874109; PMID: 19443294; PMID: 20979234; PMID: 9230192). Multiple computational predictions support a deleterious effect on the gene or gene product. The variant is present at low frequency in population datasets. Based on the available data, this variant is classified as pathogenic.

Department of Clinical Genetics, Copenhagen University Hospital, Rigshospitalet
Classification: Pathogenic for Multiple endocrine neoplasia, type 2. Last evaluated: 2025-05-19. Review status: criteria provided, single submitter. Criteria: ACMG Guidelines, 2015. Collection method: clinical testing. Allele origin: germline.
Comment: The following ACMG criteria has been used: PM2_SUP; PM1; PP3; PS3_MOD; PS4; PP1_Strong

Ambry Genetics
Classification: Pathogenic for Hereditary cancer-predisposing syndrome. Last evaluated: 2025-05-07. Review status: criteria provided, single submitter. Criteria: Ambry Variant Classification Scheme 2023. Collection method: clinical testing. Allele origin: germline.
Comment: The c.1858T>C (p.C620R) alteration is located in exon 10 (coding exon 10) of the RET gene. This alteration results from a T to C substitution at nucleotide position 1858, causing the cysteine (C) at amino acid position 620 to be replaced by an arginine (R). for multiple endocrine neoplasia type 2 (MEN2) and likely pathogenic for Hirschsprung disease. This variant was not reported in population-based cohorts in the Genome Aggregation Database (gnomAD). This variant was reported in individual(s) with features consistent with multiple endocrine neoplasia type 2 and/or Hirschsprung disease (Romeo, 1998; Pelet, 2005; Fialkowski, 2008; Boedeker, 2009; Hedeyati, 2011; Vaclavikova, 2012; Matthieson, 2018; Johns, 2021; Ambry internal data); in at least one individual, it was determined to be de novo (Matthieson, 2018). This variant is located at codon 620, a well-described mutation hotspot site, and has been categorized by the American Thyroid Association as having moderate risk for MTC (formerly category B) and is associated with a pheochromocytoma risk of 13%&ndash;24% (Wells, 2015). This amino acid position is highly conserved in available vertebrate species. This alteration is predicted to be deleterious by in silico analysis. Based on the available evidence, this alteration is classified as pathogenic.

Center for Genomic Medicine, Rigshospitalet, Copenhagen University Hospital
Classification: Pathogenic. Last evaluated: 2025-03-04. Review status: criteria provided, single submitter. Criteria: ACMG Guidelines, 2015. Collection method: clinical testing. Allele origin: germline.

PreventionGenetics, part of Exact Sciences
Classification: Pathogenic for RET-related condition. Last evaluated: 2024-11-25. Review status: criteria provided, single submitter. Criteria: ACMG Guidelines, 2015. Collection method: clinical testing. Allele origin: germline.
Comment: The RET c.1858T>C variant is predicted to result in the amino acid substitution p.Cys620Arg. This variant has previously been reported in a number of individuals with multiple endocrine neoplasia type 2A (MEN2A) and familial medullary thyroid carcinoma (FMTC) (Schuffenecker. et al. 1994. PubMed ID: 7874109; Fialkowski et al. 2008. PubMed ID: 18206480; Vaclavikova. et al. 2012. PubMed ID: 21986619). This variant has not been reported in a large population database (gnomAD), indicating this variant is rare. This variant is interpreted as pathogenic in ClinVar. This variant is interpreted as pathogenic.

Genomic Medicine Center of Excellence, King Faisal Specialist Hospital and Research Centre
Classification: Pathogenic for Hirschsprung disease, susceptibility to, 1. Last evaluated: 2024-09-22. Review status: criteria provided, single submitter. Criteria: ACMG Guidelines, 2015. Collection method: clinical testing. Allele origin: germline.

Myriad Genetics, Inc.
Classification: Pathogenic for Multiple endocrine neoplasia type 2A. Last evaluated: 2024-08-22. Review status: criteria provided, single submitter. Criteria: Myriad Autosomal Dominant, Autosomal Recessive and X-Linked Classification Criteria (2023). Collection method: clinical testing. Allele origin: unknown.
Comment: This variant is considered pathogenic. Functional studies indicate this variant impacts protein function [PMID: 9230192, 17102091]. This variant has been reported in multiple individuals with clinical features of gene-specific disease [PMID: 33754314, 7881414, 37046785, 24616415, 25810047].

Intergen Genetics and Rare Diseases Diagnosis Center
Classification: Pathogenic for Hirschsprung disease, susceptibility to, 1. Last evaluated: 2023-08-29. Review status: criteria provided, single submitter. Criteria: ACMG Guidelines, 2015. Collection method: clinical testing. Allele origin: de novo. Inheritance: Autosomal dominant inheritance. Affected: yes. Observed: 1 heterozygote.

Laboratory of Molecular and Cytogenetics, Department of Anatomy, All India Institute of Medical Sciences (AIIMS)
Classification: Pathogenic for Multiple endocrine neoplasia type 2A. Last evaluated: 2023-05-21. Review status: criteria provided, single submitter. Criteria: ACMG Guidelines, 2015. Collection method: clinical testing. Allele origin: germline. Affected: yes. Observed: 1 variant allele.

NM_020975.6(RET):c.1858T>C (p.Cys620Arg)

Gene: RET (ret proto-oncogene; plus strand). Cytogenetic location: 10q11.21.
Variant type: single nucleotide variant.
Coding change: c.1858T>C on transcript NM_020975.6 (MANE Select); coding-DNA position 1858, T replaced by C.
Protein change: p.Cys620Arg; replaces cysteine 620 with arginine.
Molecular consequence: missense variant.
Genome position (GRCh38, 1-based): chr10:43,113,654, T>C. VCF-style: chr10-43113654-T-C. GRCh37 (hg19) VCF-style: chr10-43609102-T-C.
Other names: p.C620R:TGC>CGC; c.1858T>C, p.Cys620Arg (NM_000323.2, NM_001406743.1, NM_001406744.1 and 6 more transcripts); c.1096T>C, p.Cys366Arg (NM_001355216.2); c.1729T>C, p.Cys577Arg (NM_001406761.1, NM_001406762.1, NM_001406764.1 and 1 more transcripts); c.1420T>C, p.Cys474Arg (NM_001406773.1, NM_001406771.1); c.1333T>C, p.Cys445Arg (NM_001406774.1); c.1132T>C, p.Cys378Arg (NM_001406775.1, NM_001406776.1, NM_001406777.1 and 1 more transcripts); c.961T>C, p.Cys321Arg (NM_001406779.1, NM_001406780.1, NM_001406781.1 and 2 more transcripts); and 6 more; short protein forms C620R, C366R, C137R, C321R, C474R, C524R, C278R, C445R.
Identifiers: ClinVar variation 13915 (VCV000013915.46), dbSNP rs77316810, ClinGen allele CA008055.